The following is an entry in ClinVar:

ClinVar aggregate classification (germline): Uncertain significance. Review status: criteria provided, multiple submitters, no conflicts (2 of 4 stars). 3 submissions from 3 submitters: Uncertain significance (3). Last evaluated 2023-08-21.

Conditions:
Inborn genetic diseases. Identifiers: MedGen C0950123, MeSH D030342.

Allele frequency attached by ClinVar (database versions not stated): gnomAD 0.00001.

Submissions (3):

Ambry Genetics
Classification: Uncertain significance for Inborn genetic diseases. Last evaluated: 2023-08-21. Review status: criteria provided, single submitter. Criteria: Ambry Variant Classification Scheme 2023. Collection method: clinical testing. Allele origin: germline.

Labcorp Genetics (formerly Invitae), Labcorp
Classification: Uncertain significance. Last evaluated: 2022-01-05. Review status: criteria provided, single submitter. Criteria: Invitae Variant Classification Sherloc (09022015). Collection method: clinical testing. Allele origin: germline.
Comment: This sequence change replaces proline, which is neutral and non-polar, with leucine, which is neutral and non-polar, at codon 646 of the SPEG protein (p.Pro646Leu). This variant is present in population databases (no rsID available, gnomAD 0.002%). This variant has not been reported in the literature in individuals affected with SPEG-related conditions. Algorithms developed to predict the effect of missense changes on protein structure and function are either unavailable or do not agree on the potential impact of this missense change (SIFT: "Deleterious"; PolyPhen-2: "Benign"; Align-GVGD: "Class C0"). In summary, the available evidence is currently insufficient to determine the role of this variant in disease. Therefore, it has been classified as a Variant of Uncertain Significance.

Mayo Clinic Laboratories, Mayo Clinic
Classification: Uncertain significance. Last evaluated: 2021-11-04. Review status: criteria provided, single submitter. Criteria: ACMG Guidelines, 2015. Collection method: clinical testing. Allele origin: germline.

NM_005876.5(SPEG):c.1937C>T (p.Pro646Leu)

Gene: SPEG (striated muscle enriched protein kinase; plus strand). Cytogenetic location: 2q35.
Variant type: single nucleotide variant.
Coding change: c.1937C>T on transcript NM_005876.5 (MANE Select); coding-DNA position 1937, C replaced by T.
Protein change: p.Pro646Leu; replaces proline 646 with leucine.
Molecular consequence: missense variant.
Genome position (GRCh38, 1-based): chr2:219,449,095, C>T. VCF-style: chr2-219449095-C-T. GRCh37 (hg19) VCF-style: chr2-220313817-C-T.
Other names: p.Pro646Leu; short protein forms P646L.
Identifiers: ClinVar variation 1472652 (VCV001472652.9), dbSNP rs935500174, ClinGen allele CA66005011.